The following is an entry in ClinVar:

NM_015378.4(VPS13D):c.7494C>T (p.Thr2498=)

Gene: VPS13D (vacuolar protein sorting 13 homolog D; plus strand). Cytogenetic location: 1p36.22.
Variant type: single nucleotide variant.
Coding change: c.7494C>T on transcript NM_015378.4 (MANE Select); coding-DNA position 7494, C replaced by T.
Protein change: p.Thr2498=; no amino-acid change (threonine 2498 retained).
Molecular consequence: synonymous variant.
Genome position (GRCh38, 1-based): chr1:12,319,576, C>T. VCF-style: chr1-12319576-C-T. GRCh37 (hg19) VCF-style: chr1-12379633-C-T.
Other names: p.Thr2498=; c.7494C>T, p.Thr2498= (NM_018156.4).
Identifiers: ClinVar variation 784566 (VCV000784566.36), dbSNP rs145139518, ClinGen allele CA602849.

ClinVar aggregate classification (germline): Likely benign. Review status: criteria provided, multiple submitters, no conflicts (2 of 4 stars). 4 submissions from 4 submitters: Likely benign (4). Last evaluated 2026-01-15.

Allele frequency attached by ClinVar (database versions not stated): 1000 Genomes Project 0.00040; 1000 Genomes Project 30x 0.00047; gnomAD exomes 0.00049 and 0.00062; ExAC 0.00054; gnomAD 0.00061 and 0.00066; ESP Exome Variant Server 0.00100; TOPMed 0.00102.
gnomAD v4.1: 827 of 1,614,196 alleles (0.051%); highest among the groups gnomAD compares: Admixed American, 0.24%; 3 homozygotes.

Submissions (4):

Labcorp Genetics (formerly Invitae), Labcorp
Classification: Likely benign. Last evaluated: 2026-01-15. Review status: criteria provided, single submitter. Criteria: Invitae Variant Classification Sherloc (09022015). Collection method: clinical testing. Allele origin: germline.

Mayo Clinic Laboratories, Mayo Clinic
Classification: Likely benign. Last evaluated: 2025-06-09. Review status: criteria provided, single submitter. Criteria: ACMG Guidelines, 2015. Collection method: clinical testing. Allele origin: germline. Observed: 2 variant alleles.
Comment: BS1, BP4, BP7

Blueprint Genetics
Classification: Likely benign. Last evaluated: 2024-10-15. Review status: criteria provided, single submitter. Criteria: ACMG Guidelines, 2015. Collection method: clinical testing. Allele origin: germline.

CeGaT Center for Human Genetics Tuebingen
Classification: Likely benign. Last evaluated: 2024-01-01. Review status: criteria provided, single submitter. Criteria: CeGaT Center For Human Genetics Tuebingen Variant Classification Criteria Version 2. Collection method: clinical testing. Allele origin: germline. Affected: yes. Observed: 3 variant alleles.
Comment: VPS13D: BP4, BP7